The following is an entry in ClinVar:

NM_001111.5(ADAR):c.2156T>C (p.Leu719Pro)

Gene: ADAR (adenosine deaminase RNA specific; minus strand). Cytogenetic location: 1q21.3.
Variant type: single nucleotide variant.
Coding change: c.2156T>C on transcript NM_001111.5 (MANE Select); coding-DNA position 2156, T replaced by C.
Protein change: p.Leu719Pro; replaces leucine 719 with proline.
Molecular consequence: missense variant.
Genome position (GRCh38, 1-based): chr1:154,596,919, A>G on the plus strand (T>C on the coding strand, the complement: ADAR is on the minus strand). VCF-style: chr1-154596919-A-G. GRCh37 (hg19) VCF-style: chr1-154569395-A-G.
Other names: c.1271T>C, p.Leu424Pro (NM_001025107.3, NM_001193495.2, NM_001365046.1 and 3 more transcripts); c.2183T>C, p.Leu728Pro (NM_001365045.1); c.2156T>C, p.Leu719Pro (NM_015840.4); c.2099T>C, p.Leu700Pro (NM_015841.4); short protein forms L424P, L700P, L719P, L728P.
Identifiers: ClinVar variation 2117916 (VCV002117916.4), dbSNP rs2526589867, ClinGen allele CA342637886.
Genomic context (GRCh38, chr1:154,596,919, plus strand): 5'-CCATGGGAGCGGGCGTACTCCAAAAGGCCACCCACAGGGTTGGTGTTCAGGTATCTCACG[A>G]GCTCGCCAATCTTCCTGACCTTGTTGGGCATCATGGATTCCAAGTTATCAAGTGACTCTG-3'
Protein context (NP_001102.3, residues 709-729): MPNKVRKIGE[Leu719Pro]VRYLNTNPVG

ClinVar aggregate classification (germline): Uncertain significance (1 of 4 stars; one submission).

Conditions:
Symmetrical dyschromatosis of extremities (DSH). Also called: RETICULATE ACROPIGMENTATION OF DOHI; SYMMETRIC DYSCHROMATOSIS OF THE EXTREMITIES; DYSCHROMATOSIS SYMMETRICA HEREDITARIA 1; Dyschromatosis symmetrica hereditaria. Identifiers: Orphanet 41, MedGen C0406775, MONDO:0007483, OMIM 127400.
Aicardi-Goutieres syndrome 6 (AGS6). Identifiers: Orphanet 51, MedGen C3539013, MONDO:0014007, OMIM 615010.

Submission:

Labcorp Genetics (formerly Invitae), Labcorp
Classification: Uncertain significance for Aicardi-Goutieres syndrome 6; Symmetrical dyschromatosis of extremities. Last evaluated: 2022-04-15. Review status: criteria provided, single submitter. Criteria: Invitae Variant Classification Sherloc (09022015). Collection method: clinical testing. Allele origin: germline.
Comment: In summary, the available evidence is currently insufficient to determine the role of this variant in disease. Therefore, it has been classified as a Variant of Uncertain Significance. Algorithms developed to predict the effect of missense changes on protein structure and function are either unavailable or do not agree on the potential impact of this missense change (SIFT: "Deleterious"; PolyPhen-2: "Probably Damaging"; Align-GVGD: "Class C0"). This variant has not been reported in the literature in individuals affected with ADAR-related conditions. This variant is not present in population databases (gnomAD no frequency). This sequence change replaces leucine, which is neutral and non-polar, with proline, which is neutral and non-polar, at codon 719 of the ADAR protein (p.Leu719Pro).